The following is an entry in ClinVar:

ClinVar aggregate classification (germline): Benign/Likely benign. Review status: criteria provided, multiple submitters, no conflicts (2 of 4 stars). 11 submissions from 5 submitters: Benign (5); Likely benign (6). Last evaluated 2025-02-27.

Conditions:
Acromicric dysplasia (ACMICD). Also called: Acromicric skeletal dysplasia. Identifiers: Orphanet 969, MedGen C0265287, MONDO:0007055, OMIM 102370.
Weill-Marchesani syndrome. Also called: WM Syndrome; Mesodermal dysmorphodystrophy congenital. Identifiers: Orphanet 3449, MedGen C0265313, MONDO:0018096.
Geleophysic dysplasia. Identifiers: Orphanet 2623, MedGen C3489726, MONDO:0000127.
Marfan syndrome (MFS). Also called: FBN1-Related Marfan Syndrome; MARFAN SYNDROME, TYPE I; Marfan syndrome type 1; Marfan's syndrome; Marfan syndrome, classic. Identifiers: Orphanet 284963, Orphanet 558, MedGen C0024796, MONDO:0007947, OMIM 154700.
Familial thoracic aortic aneurysm and aortic dissection (TAAD). Also called: Thoracic aortic aneurysms and dissections. Identifiers: Orphanet 91387, MedGen C4707243, MONDO:0019625.
Ectopia lentis 1, isolated, autosomal dominant (ECTOL1). Identifiers: Orphanet 1885, MedGen C3541518, MONDO:0007514, OMIM 129600.
Stiff skin syndrome (SSKS). Identifiers: Orphanet 2833, MedGen C1861456, MONDO:0008492, OMIM 184900.

Allele frequency attached by ClinVar (database versions not stated): gnomAD exomes 0.00001 and 0.00007; gnomAD 0.00002; TOPMed 0.00002; ExAC 0.00005.
gnomAD v4.1: 17 of 1,612,022 alleles (0.0011%); highest among the groups gnomAD compares: East Asian, 0.036%; no homozygotes.

Submissions (11):

Labcorp Genetics (formerly Invitae), Labcorp
Classification: Likely benign for Marfan syndrome; Familial thoracic aortic aneurysm and aortic dissection. Last evaluated: 2025-02-27. Review status: criteria provided, single submitter. Criteria: Invitae Variant Classification Sherloc (09022015). Collection method: clinical testing. Allele origin: germline.

All of Us Research Program, National Institutes of Health
Classification: Likely benign for Marfan syndrome. Last evaluated: 2023-11-20. Review status: criteria provided, single submitter. Criteria: ACMG Guidelines, 2015. Collection method: clinical testing. Allele origin: germline. Inheritance: Autosomal dominant inheritance. Observed: 1 variant allele, 1 heterozygote.
Comment: This study involves interpretation of variants in research participants for the purpose of population health screening. Participant phenotype was not available at the time of variant classification. Additional details can be found in publication PMID: 35346344, PMCID: PMC8962531

CeGaT Center for Human Genetics Tuebingen
Classification: Likely benign. Last evaluated: 2022-03-01. Review status: criteria provided, single submitter. Criteria: CeGaT Center For Human Genetics Tuebingen Variant Classification Criteria Version 2. Collection method: clinical testing. Allele origin: germline. Affected: yes. Observed: 1 variant allele.
Comment: FBN1: BP4

Color Diagnostics, LLC DBA Color Health
Classification: Likely benign for Familial thoracic aortic aneurysm and aortic dissection. Last evaluated: 2019-04-15. Review status: criteria provided, single submitter. Criteria: ACMG Guidelines, 2015. Collection method: clinical testing. Allele origin: germline.

Illumina Laboratory Services, Illumina
Classification: Benign for Weill-Marchesani syndrome. Last evaluated: 2017-05-08. Review status: criteria provided, single submitter. Criteria: ICSL Variant Classification Criteria 13 December 2019. Collection method: clinical testing. Allele origin: germline.
Comment: This variant was observed as part of a predisposition screen in an ostensibly healthy population. A literature search was performed for the gene, cDNA change, and amino acid change (where applicable). No publications were found based on this search. Allele frequency data from public databases was too high to be consistent with this variant causing disease. Therefore, this variant is classified as benign.

Illumina Laboratory Services, Illumina
Classification: Likely benign for Familial thoracic aortic aneurysm and aortic dissection. Last evaluated: 2017-05-08. Review status: criteria provided, single submitter. Criteria: ICSL Variant Classification Criteria 13 December 2019. Collection method: clinical testing. Allele origin: germline.
Comment: This variant was observed as part of a predisposition screen in an ostensibly healthy population. A literature search was performed for the gene, cDNA change, and amino acid change (where applicable). No publications were found based on this search. Allele frequency data from public databases allowed determination this variant is unlikely to cause disease. Therefore, this variant is classified as likely benign.

Illumina Laboratory Services, Illumina
Classification: Benign for Geleophysic dysplasia. Last evaluated: 2017-05-08. Review status: criteria provided, single submitter. Criteria: ICSL Variant Classification Criteria 13 December 2019. Collection method: clinical testing. Allele origin: germline.
Comment: the same text as in the submission from Illumina Laboratory Services, Illumina above.

Illumina Laboratory Services, Illumina
Classification: Likely benign for Marfan syndrome. Last evaluated: 2017-05-08. Review status: criteria provided, single submitter. Criteria: ICSL Variant Classification Criteria 13 December 2019. Collection method: clinical testing. Allele origin: germline.
Comment: This variant was observed as part of a predisposition screen in an ostensibly healthy population. A literature search was performed for the gene, cDNA change, and amino acid change (where applicable). Publications were found based on this search. The evidence from the literature, in combination with allele frequency data from public databases where available, was sufficient to determine this variant is unlikely to cause disease. Therefore, this variant is classified as likely benign.

Illumina Laboratory Services, Illumina
Classification: Benign for Acromicric dysplasia. Last evaluated: 2017-05-08. Review status: criteria provided, single submitter. Criteria: ICSL Variant Classification Criteria 13 December 2019. Collection method: clinical testing. Allele origin: germline.
Comment: the same text as in the submission from Illumina Laboratory Services, Illumina above.

Illumina Laboratory Services, Illumina
Classification: Benign for Ectopia lentis 1, isolated, autosomal dominant. Last evaluated: 2017-05-08. Review status: criteria provided, single submitter. Criteria: ICSL Variant Classification Criteria 13 December 2019. Collection method: clinical testing. Allele origin: germline.
Comment: the same text as in the submission from Illumina Laboratory Services, Illumina above.

Illumina Laboratory Services, Illumina
Classification: Benign for Stiff skin syndrome. Last evaluated: 2017-05-08. Review status: criteria provided, single submitter. Criteria: ICSL Variant Classification Criteria 13 December 2019. Collection method: clinical testing. Allele origin: germline.
Comment: the same text as in the submission from Illumina Laboratory Services, Illumina above.

Literature cited by the submitters: PubMed 19839986 (cited by Illumina Laboratory Services, Illumina).

NM_000138.5(FBN1):c.6379+4A>G

Gene: FBN1 (fibrillin 1; minus strand). Cytogenetic location: 15q21.1.
Variant type: single nucleotide variant.
Coding change: c.6379+4A>G on transcript NM_000138.5 (MANE Select); 4 bases into the intron after coding-DNA position 6379, A replaced by G.
Molecular consequence: intron variant.
Genome position (GRCh38, 1-based): chr15:48,437,318, T>C on the plus strand (A>G on the coding strand, the complement: FBN1 is on the minus strand). VCF-style: chr15-48437318-T-C. GRCh37 (hg19) VCF-style: chr15-48729515-T-C.
Identifiers: ClinVar variation 884751 (VCV000884751.35), dbSNP rs780370404, ClinGen allele CA056671.